The following is an entry in ClinVar:

NM_005591.4(MRE11):c.690A>G (p.Pro230=)

Gene: MRE11 (MRE11 double strand break repair nuclease; minus strand). Cytogenetic location: 11q21.
Variant type: single nucleotide variant.
Coding change: c.690A>G on transcript NM_005591.4 (MANE Select); coding-DNA position 690, A replaced by G.
Protein change: p.Pro230=; no amino-acid change (proline 230 retained).
Molecular consequence: synonymous variant.
Genome position (GRCh38, 1-based): chr11:94,471,729, T>C on the plus strand (A>G on the coding strand, the complement: MRE11 is on the minus strand). VCF-style: chr11-94471729-T-C. GRCh37 (hg19) VCF-style: chr11-94204895-T-C.
Other names: c.690A>G, p.Pro230= (NM_001330347.2, NM_005590.4).
Identifiers: ClinVar variation 187506 (VCV000187506.39), dbSNP rs786203787, ClinGen allele CA197822.

ClinVar aggregate classification (germline): Likely benign. Review status: criteria provided, multiple submitters, no conflicts (2 of 4 stars). 3 submissions from 3 submitters: Likely benign (3). Last evaluated 2025-02-26.

Conditions:
Ataxia-telangiectasia-like disorder (ATLD). Identifiers: MedGen C1858391, MONDO:0011457.
Hereditary cancer-predisposing syndrome. Also called: Tumor predisposition; Neoplastic Syndromes, Hereditary; Hereditary Cancer Syndrome; Hereditary neoplastic syndrome. Identifiers: Orphanet 140162, MedGen C0027672, MeSH D009386, MONDO:0015356.

Allele frequency attached by ClinVar (database versions not stated): gnomAD 0.00001; gnomAD exomes 0.00002; TOPMed 0.00002.
gnomAD v4.1: 34 of 1,612,156 alleles (0.0021%); highest among the groups gnomAD compares: Admixed American, 0.005%; no homozygotes.

Submissions (3):

Labcorp Genetics (formerly Invitae), Labcorp
Classification: Likely benign for Ataxia-telangiectasia-like disorder. Last evaluated: 2025-02-26. Review status: criteria provided, single submitter. Criteria: Invitae Variant Classification Sherloc (09022015). Collection method: clinical testing. Allele origin: germline.

CeGaT Center for Human Genetics Tuebingen
Classification: Likely benign. Last evaluated: 2022-11-01. Review status: criteria provided, single submitter. Criteria: CeGaT Center For Human Genetics Tuebingen Variant Classification Criteria Version 2. Collection method: clinical testing. Allele origin: germline. Affected: yes. Observed: 1 variant allele.
Comment: MRE11: BP4, BP7

Ambry Genetics
Classification: Likely benign for Hereditary cancer-predisposing syndrome. Last evaluated: 2014-12-24. Review status: criteria provided, single submitter. Criteria: Ambry Variant Classification Scheme 2023. Collection method: clinical testing. Allele origin: germline.